The following is an entry in ClinVar:

ClinVar aggregate classification (germline): Uncertain significance (1 of 4 stars; one submission).

Conditions:
Joubert syndrome. Also called: JOUBERT-BOLTSHAUSER SYNDROME; Familial aplasia of the vermis. Identifiers: Orphanet 475, MedGen C5979921, MONDO:0018772.
Meckel-Gruber syndrome. Also called: DYSENCEPHALIA SPLANCHNOCYSTICA; GRUBER SYNDROME; Dysencephalia splachnocystica. Identifiers: Orphanet 564, MedGen C0265215, MONDO:0018921.

Submission:

Labcorp Genetics (formerly Invitae), Labcorp
Classification: Uncertain significance for Joubert syndrome; Meckel-Gruber syndrome. Last evaluated: 2022-07-27. Review status: criteria provided, single submitter. Criteria: Invitae Variant Classification Sherloc (09022015). Collection method: clinical testing. Allele origin: germline.
Comment: In summary, the available evidence is currently insufficient to determine the role of this variant in disease. Therefore, it has been classified as a Variant of Uncertain Significance. Advanced modeling of protein sequence and biophysical properties (such as structural, functional, and spatial information, amino acid conservation, physicochemical variation, residue mobility, and thermodynamic stability) performed at Invitae indicates that this missense variant is expected to disrupt CC2D2A protein function. This variant has not been reported in the literature in individuals affected with CC2D2A-related conditions. This variant is not present in population databases (gnomAD no frequency). This sequence change replaces leucine, which is neutral and non-polar, with histidine, which is basic and polar, at codon 1616 of the CC2D2A protein (p.Leu1616His).

NM_001378615.1(CC2D2A):c.4847T>A (p.Leu1616His)

Genes: CC2D2A (coiled-coil and C2 domain containing 2A; plus strand), FBXL5 (F-box and leucine rich repeat protein 5; minus strand). Cytogenetic location: 4p15.32.
Variant type: single nucleotide variant.
Coding change: c.4847T>A on transcript NM_001378615.1 (MANE Select); coding-DNA position 4847, T replaced by A.
Protein change: p.Leu1616His; replaces leucine 1616 with histidine.
Molecular consequence: missense variant.
Genome position (GRCh38, 1-based): chr4:15,601,409, T>A. VCF-style: chr4-15601409-T-A. GRCh37 (hg19) VCF-style: chr4-15603032-T-A.
Other names: c.4847T>A, p.Leu1616His (NM_001080522.2); c.4700T>A, p.Leu1567His (NM_001378617.1); short protein forms L1567H, L1616H.
Identifiers: ClinVar variation 2106061 (VCV002106061.4), dbSNP rs2475163699, ClinGen allele CA356437222.